The following is an entry in ClinVar:

NM_014780.5(CUL7):c.2722T>G (p.Cys908Gly)

Gene: CUL7 (cullin 7; minus strand). Cytogenetic location: 6p21.1.
Variant type: single nucleotide variant.
Coding change: c.2722T>G on transcript NM_014780.5 (MANE Select); coding-DNA position 2722, T replaced by G.
Protein change: p.Cys908Gly; replaces cysteine 908 with glycine.
Molecular consequence: missense variant.
Genome position (GRCh38, 1-based): chr6:43,046,030, A>C on the plus strand (T>G on the coding strand, the complement: CUL7 is on the minus strand). VCF-style: chr6-43046030-A-C. GRCh37 (hg19) VCF-style: chr6-43013768-A-C.
Other names: c.2818T>G, p.Cys940Gly (NM_001168370.2, NM_001374872.1); c.2722T>G, p.Cys908Gly (NM_001374873.1, NM_001374874.1); short protein forms C908G, C940G.
Identifiers: ClinVar variation 1450121 (VCV001450121.5), dbSNP rs748671828, ClinGen allele CA3813731.

ClinVar aggregate classification (germline): Uncertain significance (1 of 4 stars; one submission).

Allele frequency attached by ClinVar (database versions not stated): gnomAD 0.00005; gnomAD exomes 0.00006; TOPMed 0.00006; ExAC 0.00007.
gnomAD v4.1: 51 of 1,613,944 alleles (0.0032%); highest among the groups gnomAD compares: Middle Eastern, 0.016%; no homozygotes.

Submission:

Labcorp Genetics (formerly Invitae), Labcorp
Classification: Uncertain significance. Last evaluated: 2021-08-27. Review status: criteria provided, single submitter. Criteria: Invitae Variant Classification Sherloc (09022015). Collection method: clinical testing. Allele origin: germline.
Comment: This sequence change replaces cysteine with glycine at codon 908 of the CUL7 protein (p.Cys908Gly). The cysteine residue is weakly conserved and there is a large physicochemical difference between cysteine and glycine. This variant is present in population databases (rs748671828, ExAC 0.02%). This variant has not been reported in the literature in individuals affected with CUL7-related conditions. Algorithms developed to predict the effect of missense changes on protein structure and function are either unavailable or do not agree on the potential impact of this missense change (SIFT: "Deleterious"; PolyPhen-2: "Benign"; Align-GVGD: "Class C0"). In summary, the available evidence is currently insufficient to determine the role of this variant in disease. Therefore, it has been classified as a Variant of Uncertain Significance.